The following is an entry in ClinVar:

NM_001943.5(DSG2):c.1105A>G (p.Lys369Glu)

Gene: DSG2 (desmoglein 2; plus strand). Cytogenetic location: 18q12.1.
Variant type: single nucleotide variant.
Coding change: c.1105A>G on transcript NM_001943.5 (MANE Select); coding-DNA position 1105, A replaced by G.
Protein change: p.Lys369Glu; replaces lysine 369 with glutamic acid.
Molecular consequence: missense variant.
Genome position (GRCh38, 1-based): chr18:31,531,077, A>G. VCF-style: chr18-31531077-A-G. GRCh37 (hg19) VCF-style: chr18-29111040-A-G.
Other names: short protein forms K369E.
Identifiers: ClinVar variation 179902 (VCV000179902.18), dbSNP rs727505208, ClinGen allele CA021273.

ClinVar aggregate classification (germline): Uncertain significance. Review status: criteria provided, multiple submitters, no conflicts (2 of 4 stars). 5 submissions from 5 submitters: Uncertain significance (5). Last evaluated 2024-12-04.

Conditions:
Cardiovascular phenotype. Identifiers: MedGen CN230736.
Arrhythmogenic right ventricular cardiomyopathy (ARVD). Also called: Arrhythmogenic cardiomyopathy; Arrhythmogenic Right Ventricular Cardiomyopathy (ARVC); Cardiomyopathy, ARVC; Arrhythmogenic right ventricular dysplasia. Identifiers: Orphanet 247, MedGen C0349788, MeSH D019571, MONDO:0016587. Disease mechanism: loss of function. Inheritance: Various modes of inheritance.
Cardiomyopathy (CMYO). Also called: Cardiomyopathies. Identifiers: Orphanet 167848, MedGen C0878544, MONDO:0004994, HP:0001638. Inheritance: Various modes of inheritance.
Arrhythmogenic right ventricular dysplasia 10. Also called: Arrhythmogenic right ventricular dysplasia/cardiomyopathy, type 10; Arrhythmogenic Right Ventricular Dysplasia/Cardiomyopathy10; ARRHYTHMOGENIC RIGHT VENTRICULAR DYSPLASIA, FAMILIAL, 10. Identifiers: MedGen C1857777, MONDO:0012434, OMIM 610193.

Allele frequency attached by ClinVar (database versions not stated): gnomAD exomes below 0.00001; ExAC 0.00001; gnomAD 0.00001; TOPMed 0.00001.
gnomAD v4.1: 4 of 1,614,040 alleles (0.00025%); highest among the groups gnomAD compares: Non-Finnish European, 0.00034%; no homozygotes.

Submissions (5):

Labcorp Genetics (formerly Invitae), Labcorp
Classification: Uncertain significance for Arrhythmogenic right ventricular dysplasia 10. Last evaluated: 2024-12-04. Review status: criteria provided, single submitter. Criteria: Invitae Variant Classification Sherloc (09022015). Collection method: clinical testing. Allele origin: germline.
Comment: This sequence change replaces lysine, which is basic and polar, with glutamic acid, which is acidic and polar, at codon 369 of the DSG2 protein (p.Lys369Glu). This variant is present in population databases (rs727505208, gnomAD 0.0009%). This variant has not been reported in the literature in individuals affected with DSG2-related conditions. ClinVar contains an entry for this variant (Variation ID: 179902). Invitae Evidence Modeling of protein sequence and biophysical properties (such as structural, functional, and spatial information, amino acid conservation, physicochemical variation, residue mobility, and thermodynamic stability) indicates that this missense variant is not expected to disrupt DSG2 protein function with a negative predictive value of 95%. In summary, the available evidence is currently insufficient to determine the role of this variant in disease. Therefore, it has been classified as a Variant of Uncertain Significance.

All of Us Research Program, National Institutes of Health
Classification: Uncertain significance for Arrhythmogenic right ventricular cardiomyopathy. Last evaluated: 2024-03-24. Review status: criteria provided, single submitter. Criteria: ACMG Guidelines, 2015. Collection method: clinical testing. Allele origin: germline. Inheritance: Autosomal dominant inheritance. Observed: 4 variant alleles, 4 heterozygotes.
Comment: This missense variant replaces lysine with glutamic acid at codon 369 of the DSG2 protein. Computational prediction suggests that this variant may not impact protein structure and function (internally defined REVEL score threshold <= 0.5, PMID: 27666373). To our knowledge, functional studies have not been reported for this variant. This variant has not been reported in individuals affected with cardiovascular disorders in the literature. This variant has been identified in 1/249420 chromosomes in the general population by the Genome Aggregation Database (gnomAD). The available evidence is insufficient to determine the role of this variant in disease conclusively. Therefore, this variant is classified as a Variant of Uncertain Significance.

This study involves interpretation of variants in research participants for the purpose of population health screening. Participant phenotype was not available at the time of variant classification. Additional details can be found in publication PMID: 35346344, PMCID: PMC8962531

Color Diagnostics, LLC DBA Color Health
Classification: Uncertain significance for Cardiomyopathy. Last evaluated: 2024-03-06. Review status: criteria provided, single submitter. Criteria: ACMG Guidelines, 2015. Collection method: clinical testing. Allele origin: germline.
Comment: This missense variant replaces lysine with glutamic acid at codon 369 of the DSG2 protein. Computational prediction suggests that this variant may not impact protein structure and function (internally defined REVEL score threshold <= 0.5, PMID: 27666373). To our knowledge, functional studies have not been reported for this variant. This variant has not been reported in individuals affected with cardiovascular disorders in the literature. This variant has been identified in 1/249420 chromosomes in the general population by the Genome Aggregation Database (gnomAD). The available evidence is insufficient to determine the role of this variant in disease conclusively. Therefore, this variant is classified as a Variant of Uncertain Significance.

Ambry Genetics
Classification: Uncertain significance for Cardiovascular phenotype. Last evaluated: 2020-08-20. Review status: criteria provided, single submitter. Criteria: Ambry Variant Classification Scheme 2023. Collection method: clinical testing. Allele origin: germline.
Comment: The p.K369E variant (also known as c.1105A>G), located in coding exon 9 of the DSG2 gene, results from an A to G substitution at nucleotide position 1105. The lysine at codon 369 is replaced by glutamic acid, an amino acid with similar properties. This amino acid position is well conserved in available vertebrate species. In addition, this alteration is predicted to be tolerated by in silico analysis. Since supporting evidence is limited at this time, the clinical significance of this alteration remains unclear.

Laboratory for Molecular Medicine, Mass General Brigham Personalized Medicine
Classification: Uncertain significance. Last evaluated: 2014-07-18. Review status: criteria provided, single submitter. Criteria: LMM Criteria. Collection method: clinical testing. Allele origin: germline. Observed: 1 variant allele.
Comment: The Lys369Glu variant in DSG2 has not been previously reported in individuals wi th cardiomyopathy or in large population studies. Computational prediction tools and conservation analysis do not provide strong support for or against an impac t to the protein. In summary, the clinical significance of the Lys369Glu variant is uncertain.